The following is an entry in ClinVar:

ClinVar aggregate classification (germline): Uncertain significance (1 of 4 stars; one submission).

gnomAD v4.1: 6 of 1,614,002 alleles (0.00037%); highest among the groups gnomAD compares: East Asian, 0.0045%; no homozygotes.

Submission:

Labcorp Genetics (formerly Invitae), Labcorp
Classification: Uncertain significance. Last evaluated: 2025-01-10. Review status: criteria provided, single submitter. Criteria: Invitae Variant Classification Sherloc (09022015). Collection method: clinical testing. Allele origin: germline.
Comment: This sequence change replaces arginine, which is basic and polar, with cysteine, which is neutral and slightly polar, at codon 309 of the LRRC8A protein (p.Arg309Cys). This variant is present in population databases (rs761647938, gnomAD 0.0009%). This variant has not been reported in the literature in individuals affected with LRRC8A-related conditions. An algorithm developed to predict the effect of missense changes on protein structure and function (PolyPhen-2) suggests that this variant is likely to be tolerated. In summary, the available evidence is currently insufficient to determine the role of this variant in disease. Therefore, it has been classified as a Variant of Uncertain Significance.

NM_019594.4(LRRC8A):c.925C>T (p.Arg309Cys)

Gene: LRRC8A (leucine rich repeat containing 8 VRAC subunit A; plus strand). Cytogenetic location: 9q34.11.
Variant type: single nucleotide variant.
Coding change: c.925C>T on transcript NM_019594.4 (MANE Select); coding-DNA position 925, C replaced by T.
Protein change: p.Arg309Cys; replaces arginine 309 with cysteine.
Molecular consequence: missense variant.
Genome position (GRCh38, 1-based): chr9:128,908,089, C>T. VCF-style: chr9-128908089-C-T. GRCh37 (hg19) VCF-style: chr9-131670368-C-T.
Other names: c.925C>T, p.Arg309Cys (NM_001127244.2, NM_001127245.2); short protein forms R309C.
Identifiers: ClinVar variation 3678311 (VCV003678311.2).